The following is an entry in ClinVar:

NM_024809.5(TCTN2):c.1313G>T (p.Gly438Val)

Gene: TCTN2 (tectonic family member 2; plus strand). Cytogenetic location: 12q24.31.
Variant type: single nucleotide variant.
Coding change: c.1313G>T on transcript NM_024809.5 (MANE Select); coding-DNA position 1313, G replaced by T.
Protein change: p.Gly438Val; replaces glycine 438 with valine.
Molecular consequence: missense variant.
Genome position (GRCh38, 1-based): chr12:123,696,415, G>T. VCF-style: chr12-123696415-G-T. GRCh37 (hg19) VCF-style: chr12-124180962-G-T.
Other names: c.1178G>T, p.Gly393Val (NM_001410989.1); c.1310G>T, p.Gly437Val (NM_001143850.3); short protein forms G393V, G437V, G438V.
Identifiers: ClinVar variation 5005053 (VCV005005053.2).
Genomic context (GRCh38, chr12:123,696,415, plus strand): 5'-GAGTTAGGGCTTGCTATGCTGGAGGAAACAGGCTCACGTTCCTTTGTTGTGTTTGTCTAG[G>T]TTACCAACTTGGCAAGCCTGTCCGAGCTCTAAATATCAACAGGATGAATAATGTCACGAC-3'
Protein context (NP_079085.2, residues 428-448): GNEEELSGNP[Gly438Val]YQLGKPVRAL

ClinVar aggregate classification (germline): Uncertain significance (1 of 4 stars; one submission).

Conditions:
Joubert syndrome 24 (JBTS24). Identifiers: Orphanet 475, MedGen C4084841, MONDO:0014724, OMIM 616654.
Meckel syndrome, type 8. Identifiers: Orphanet 564, MedGen C3836857, MONDO:0013482, OMIM 613885.

Submission:

Juno Genomics, Hangzhou Juno Genomics, Inc
Classification: Uncertain significance for Meckel syndrome, type 8; Joubert syndrome 24. Review status: criteria provided, single submitter. Criteria: ACMG Guidelines, 2015. Collection method: clinical testing. Allele origin: germline.
Comment: Absent from controls (or at extremely low frequency if recessive) in Genome Aggregation Database.;Multiple lines of computational evidence support a deleterious effect on the gene or gene product.